The following is an entry in ClinVar:

GRCh37/hg19 16p12.2(chr16:21841455-22710614)x1

Genes: CDR2 (cerebellar degeneration related protein 2), EEF2K (eukaryotic elongation factor 2 kinase), MOSMO (modulator of smoothened), NPIPB4 (nuclear pore complex interacting protein family member B4), NPIPB5 (nuclear pore complex interacting protein family member B5) and 5 more. Cytogenetic location: 16p12.2.
Variant type: copy number loss.
Change: copy number 1 (one copy instead of two) of chr16:21,841,455-22,710,614 (869.2 kb, GRCh37 coordinates, 1-based), cytogenetic band 16p12.2.
Identifiers: ClinVar variation 564303 (VCV000564303.4).

ClinVar aggregate classification (germline): Pathogenic (1 of 4 stars; one submission).

Submission:

Quest Diagnostics Nichols Institute San Juan Capistrano
Classification: Pathogenic. Last evaluated: 2022-07-18. Review status: criteria provided, single submitter. Criteria: ACMG/ClinGen CNV Guidelines, 2019. Collection method: clinical testing. Allele origin: unknown.
Comment: This recurrent microdeletion at 16p12.2 (OMIM 136570; Rehm 2015) is associated with susceptibility to intellectual disability, developmental delay, and additional clinical findings (Girirajan 2018; Redaelli 2019). However, the majority of individuals with the 16p12.2 microdeletion have inherited it from an unaffected or mildly affected parent. This copy number variant (CNV) has been described as a susceptibility locus with variable phenotypic expressivity and reduced penetrance. Based on current medical literature, this CNV is classified as pathogenic. References: Girirajan et al., GeneReviews 2018 Sep 13. PMID: 25719193 Redaelli et al., Int J Mol Sci. 2019 Mar 4;20(5):1095. PMID: 30836598 Rehm et al., N Engl J Med. 2015 Jun 4;372(23):2235-42. PMID: 26014595 (ISCA-37409)